The following is an entry in ClinVar:

ClinVar aggregate classification (germline): Conflicting classifications of pathogenicity. Review status: criteria provided, conflicting classifications (1 of 4 stars). 6 submissions from 6 submitters: Pathogenic (2); Uncertain significance (2). 2 of the submissions do not count toward it. Last evaluated 2025-12-24.

Conditions:
Methylmalonic aciduria due to complete methylmalonyl-CoA mutase deficiency.
Methylmalonic aciduria due to methylmalonyl-CoA mutase deficiency (MAMM). Also called: Methylmalonic aciduria, mut type. Identifiers: Orphanet 27, MedGen C1855114, MONDO:0009612, OMIM 251000.

Allele frequency attached by ClinVar (database versions not stated): ExAC 0.00001; gnomAD exomes 0.00001; ESP Exome Variant Server 0.00008.

Submissions (6):

Natera, Inc.
Classification: Pathogenic for Methylmalonic aciduria due to complete methylmalonyl-CoA mutase deficiency. Last evaluated: 2025-12-24. Review status: criteria provided, single submitter. Criteria: Natera Variant Classification Schema (03/2026). Collection method: clinical testing. Allele origin: germline.
Comment: The c.556A>G variant in MMUT is a missense variant predicted to cause substitution of methionine to valine at amino acid 186. This variant is rare in the general population with a frequency below the threshold expected for the associated phenotype(s). This variant has been observed in one or more individuals affected with the associated recessive disease, as either homozygous or compound heterozygous with a second variant (PMID: 38128819, 34668645, 27233228). Computational prediction algorithms indicate this variant is likely to affect gene or protein function. Given the available evidence, this variant is classified as Pathogenic.

Labcorp Genetics (formerly Invitae), Labcorp
Classification: Pathogenic. Last evaluated: 2024-01-09. Review status: criteria provided, single submitter. Criteria: Invitae Variant Classification Sherloc (09022015). Collection method: clinical testing. Allele origin: germline.
Comment: This sequence change replaces methionine, which is neutral and non-polar, with valine, which is neutral and non-polar, at codon 186 of the MUT protein (p.Met186Val). This variant is present in population databases (rs148331800, gnomAD 0.0009%). This missense change has been observed in individual(s) with methylmalonic acidemia (PMID: 16281286, 21048060, 34668645). ClinVar contains an entry for this variant (Variation ID: 551460). Advanced modeling of protein sequence and biophysical properties (such as structural, functional, and spatial information, amino acid conservation, physicochemical variation, residue mobility, and thermodynamic stability) performed at Invitae indicates that this missense variant is expected to disrupt MUT protein function with a positive predictive value of 95%. For these reasons, this variant has been classified as Pathogenic.

Women's Health and Genetics/Laboratory Corporation of America, LabCorp
Classification: Uncertain significance. Last evaluated: 2023-01-07. Review status: criteria provided, single submitter. Criteria: LabCorp Variant Classification Summary - May 2015. Collection method: clinical testing. Allele origin: germline.
Comment: Variant summary: MUT c.556A>G (p.Met186Val) results in a conservative amino acid change located in the Methylmalonyl-CoA mutase, alpha chain, catalytic domain (IPR006098) of the encoded protein sequence. Four of five in-silico tools predict a damaging effect of the variant on protein function. The variant allele was found at a frequency of 8e-06 in 251170 control chromosomes (gnomAD). c.556A>G has been reported in the literature as a biallelic genotype in individuals affected with Methylmalonic Acidemia (e.g. Worgan_2006, Hauser_2011). These data indicate that the variant may be associated with disease. To our knowledge, no experimental evidence demonstrating an impact on protein function has been reported. Two ClinVar submitters have assessed the variant since 2014: both classified the variant as uncertain significance. Based on the evidence outlined above, the variant was classified as VUS-possibly pathogenic.

Fulgent Genetics
Classification: Uncertain significance for Methylmalonic aciduria due to methylmalonyl-CoA mutase deficiency. Last evaluated: 2021-12-02. Review status: criteria provided, single submitter. Criteria: ACMG Guidelines, 2015. Collection method: clinical testing. Allele origin: unknown.

Counsyl
Classification: Uncertain significance for Methylmalonic aciduria due to methylmalonyl-CoA mutase deficiency. Last evaluated: 2017-04-11. Review status: no assertion criteria provided. Collection method: clinical testing. Allele origin: unknown. Not counted in ClinVar's aggregate classification.

Neonatal Disease Screening Center, Medical Genetics Center, Huaihua City Maternal and Child Health Care Hospital
Classification: Likely pathogenic for Methylmalonic aciduria due to methylmalonyl-CoA mutase deficiency. Review status: no assertion criteria provided. Criteria: ACMG Guidelines, 2015. Collection method: clinical testing. Allele origin: germline. Affected: yes. Observed: 1 variant allele. Not counted in ClinVar's aggregate classification.
Comment: PM2_P+PM3_S+PP3+PP4

Literature cited by the submitters: PubMed 38128819 (cited by Natera, Inc.); PubMed 34668645 (cited by Natera, Inc. and Labcorp Genetics (formerly Invitae), Labcorp); PubMed 27233228 (cited by Natera, Inc.); PubMed 16281286 (cited by 3 submitters); PubMed 21048060 (cited by Labcorp Genetics (formerly Invitae), Labcorp and Women's Health and Genetics/Laboratory Corporation of America, LabCorp).

NM_000255.4(MMUT):c.556A>G (p.Met186Val)

Gene: MMUT (methylmalonyl-CoA mutase; minus strand). Cytogenetic location: 6p12.3.
Variant type: single nucleotide variant.
Coding change: c.556A>G on transcript NM_000255.4 (MANE Select); coding-DNA position 556, A replaced by G.
Protein change: p.Met186Val; replaces methionine 186 with valine.
Molecular consequence: missense variant.
Genome position (GRCh38, 1-based): chr6:49,457,888, T>C on the plus strand (A>G on the coding strand, the complement: MMUT is on the minus strand). VCF-style: chr6-49457888-T-C. GRCh37 (hg19) VCF-style: chr6-49425601-T-C.
Other names: short protein forms M186V.
Identifiers: ClinVar variation 551460 (VCV000551460.14), dbSNP rs148331800, ClinGen allele CA3847093.